The following is an entry in ClinVar:

NM_000334.4(SCN4A):c.2278G>A (p.Gly760Arg)

Genes: GH-LCR (growth hormone locus control region; plus strand), SCN4A (sodium voltage-gated channel alpha subunit 4; minus strand). Cytogenetic location: 17q23.3.
Variant type: single nucleotide variant.
Coding change: c.2278G>A on transcript NM_000334.4 (MANE Select); coding-DNA position 2278, G replaced by A.
Protein change: p.Gly760Arg; replaces glycine 760 with arginine.
Molecular consequence: missense variant.
Genome position (GRCh38, 1-based): chr17:63,957,260, C>T on the plus strand (G>A on the coding strand, the complement: SCN4A is on the minus strand). VCF-style: chr17-63957260-C-T. GRCh37 (hg19) VCF-style: chr17-62034620-C-T.
Other names: short protein forms G760R.
Identifiers: ClinVar variation 1498466 (VCV001498466.8), dbSNP rs991008969, ClinGen allele CA292966293.

ClinVar aggregate classification (germline): Uncertain significance (1 of 4 stars; one submission).

Conditions:
Hyperkalemic periodic paralysis. Also called: Familial hyperkalemic periodic paralysis; Gamstorp disease. Identifiers: Orphanet 682, MedGen C0238357, MONDO:0008224, OMIM 170500, HP:0007215.

Allele frequency attached by ClinVar (database versions not stated): gnomAD exomes below 0.00001; TOPMed below 0.00001.
gnomAD v4.1: 7 of 1,613,952 alleles (0.00043%); highest among the groups gnomAD compares: South Asian, 0.0033%; no homozygotes.

Submission:

Labcorp Genetics (formerly Invitae), Labcorp
Classification: Uncertain significance for Hyperkalemic periodic paralysis. Last evaluated: 2024-05-06. Review status: criteria provided, single submitter. Criteria: Invitae Variant Classification Sherloc (09022015). Collection method: clinical testing. Allele origin: germline.
Comment: This sequence change replaces glycine, which is neutral and non-polar, with arginine, which is basic and polar, at codon 760 of the SCN4A protein (p.Gly760Arg). This variant is not present in population databases (gnomAD no frequency). This missense change has been observed in individual(s) with arthrogryposis multiplex congenita (PMID: 33820833). ClinVar contains an entry for this variant (Variation ID: 1498466). Advanced modeling of protein sequence and biophysical properties (such as structural, functional, and spatial information, amino acid conservation, physicochemical variation, residue mobility, and thermodynamic stability) performed at Invitae indicates that this missense variant is expected to disrupt SCN4A protein function with a positive predictive value of 95%. Algorithms developed to predict the effect of sequence changes on RNA splicing suggest that this variant may create or strengthen a splice site. In summary, the available evidence is currently insufficient to determine the role of this variant in disease. Therefore, it has been classified as a Variant of Uncertain Significance.

Literature cited by the submitters: PubMed 33820833.